The following is an entry in ClinVar:

ClinVar aggregate classification (germline): Uncertain significance (1 of 4 stars; one submission).

Conditions:
LEPR-related disorder. Also called: LEPR-related disorders; LEPR-related condition.

Submission:

PreventionGenetics, part of Exact Sciences
Classification: Uncertain significance for LEPR-related condition. Last evaluated: 2025-04-11. Review status: criteria provided, single submitter. Criteria: ACMG Guidelines, 2015. Collection method: clinical testing. Allele origin: germline.
Comment: The LEPR c.3462G>C variant is predicted to result in the amino acid substitution p.Lys1154Asn. This variant was observed in a cohort of individuals with obesity, and in vitro functional studies showed function similar to wild-type levels (Supplemental Data Set, Shah et al. 2023. PubMed ID: 36864747). This variant has not been reported in a large population database (gnomAD), indicating this variant is rare. At this time, the clinical significance of this variant is uncertain due to the absence of conclusive functional and genetic evidence.

NM_002303.6(LEPR):c.3462G>C (p.Lys1154Asn)

Gene: LEPR (leptin receptor; plus strand). Cytogenetic location: 1p31.3.
Variant type: single nucleotide variant.
Coding change: c.3462G>C on transcript NM_002303.6 (MANE Select); coding-DNA position 3462, G replaced by C.
Protein change: p.Lys1154Asn; replaces lysine 1154 with asparagine.
Molecular consequence: missense variant.
Genome position (GRCh38, 1-based): chr1:65,636,979, G>C. VCF-style: chr1-65636979-G-C. GRCh37 (hg19) VCF-style: chr1-66102662-G-C.
Other names: short protein forms K1154N.
Identifiers: ClinVar variation 4997304 (VCV004997304.1).